The following is an entry in ClinVar:

ClinVar aggregate classification (germline): Conflicting classifications of pathogenicity. Review status: criteria provided, conflicting classifications (1 of 4 stars). 2 submissions from 2 submitters: Uncertain significance (1); Likely benign (1). Last evaluated 2026-01-21.

Conditions:
Gastrointestinal stromal tumor. Also called: Gastrointestinal stromal tumor, somatic; Gastrointestinal stroma tumor. Identifiers: Orphanet 44890, MedGen C0238198, MeSH D046152, MONDO:0011719, OMIM 606764, HP:0100723.
Hereditary cancer-predisposing syndrome. Also called: Hereditary Cancer Syndrome; Tumor predisposition; Neoplastic Syndromes, Hereditary; Hereditary neoplastic syndrome. Identifiers: Orphanet 140162, MedGen C0027672, MeSH D009386, MONDO:0015356.

Submissions (2):

Ambry Genetics
Classification: Likely benign for Hereditary cancer-predisposing syndrome. Last evaluated: 2026-01-21. Review status: criteria provided, single submitter. Criteria: Ambry Variant Classification Scheme 2023. Collection method: clinical testing. Allele origin: germline.

Labcorp Genetics (formerly Invitae), Labcorp
Classification: Uncertain significance for Gastrointestinal stromal tumor. Last evaluated: 2018-12-23. Review status: criteria provided, single submitter. Criteria: Invitae Variant Classification Sherloc (09022015). Collection method: clinical testing. Allele origin: germline.
Comment: In summary, the available evidence is currently insufficient to determine the role of this variant in disease. Therefore, it has been classified as a Variant of Uncertain Significance. Algorithms developed to predict the effect of missense changes on protein structure and function are either unavailable or do not agree on the potential impact of this missense change (SIFT: "Deleterious"; PolyPhen-2: "Possibly Damaging"; Align-GVGD: "Class C0"). This variant has not been reported in the literature in individuals with KIT-related conditions. This variant is not present in population databases (ExAC no frequency). This sequence change replaces asparagine with histidine at codon 463 of the KIT protein (p.Asn463His). The asparagine residue is highly conserved and there is a small physicochemical difference between asparagine and histidine.

NM_000222.3(KIT):c.1387A>C (p.Asn463His)

Gene: KIT (KIT proto-oncogene, receptor tyrosine kinase; plus strand). Cytogenetic location: 4q12.
Variant type: single nucleotide variant.
Coding change: c.1387A>C on transcript NM_000222.3 (MANE Select); coding-DNA position 1387, A replaced by C.
Protein change: p.Asn463His; replaces asparagine 463 with histidine.
Molecular consequence: missense variant.
Genome position (GRCh38, 1-based): chr4:54,725,897, A>C. VCF-style: chr4-54725897-A-C. GRCh37 (hg19) VCF-style: chr4-55592063-A-C.
Other names: c.1387A>C, p.Asn463His (NM_001093772.2, NM_001385285.1, NM_001385286.1); c.1390A>C, p.Asn464His (NM_001385284.1, NM_001385288.1, NM_001385290.1 and 1 more transcripts); short protein forms N463H, N464H.
Identifiers: ClinVar variation 643996 (VCV000643996.10), dbSNP rs1577992151, ClinGen allele CA356906290.